The following is an entry in ClinVar:

ClinVar aggregate classification (germline): Uncertain significance. Review status: criteria provided, multiple submitters, no conflicts (2 of 4 stars). 3 submissions from 3 submitters: Uncertain significance (3). Last evaluated 2025-06-13.

Conditions:
Hereditary cancer-predisposing syndrome. Also called: Hereditary neoplastic syndrome; Neoplastic Syndromes, Hereditary; Hereditary Cancer Syndrome; Tumor predisposition. Identifiers: Orphanet 140162, MedGen C0027672, MeSH D009386, MONDO:0015356.
Fanconi anemia complementation group O. Also called: RAD51C-Related Fanconi Anemia. Identifiers: Orphanet 84, MedGen C3150653, MONDO:0013248, OMIM 613390.

Submissions (3):

Ambry Genetics
Classification: Uncertain significance for Hereditary cancer-predisposing syndrome. Last evaluated: 2025-06-13. Review status: criteria provided, single submitter. Criteria: Ambry Variant Classification Scheme 2023. Collection method: clinical testing. Allele origin: germline.
Comment: The c.706-9T>A intronic variant results from a T to A substitution 9 nucleotides upstream from coding exon 5 in the RAD51C gene. This nucleotide position is well conserved in available vertebrate species. In silico splice site analysis predicts that this alteration will weaken the native splice acceptor site and will result in the creation or strengthening of a novel splice acceptor site; however, direct evidence is insufficient at this time (Ambry internal data). Based on the available evidence, the clinical significance of this variant remains unclear.

GeneDx
Classification: Uncertain significance. Last evaluated: 2022-03-31. Review status: criteria provided, single submitter. Criteria: GeneDx Variant Classification Process June 2021. Collection method: clinical testing. Allele origin: germline. Affected: yes.
Comment: Not observed at significant frequency in large population cohorts (gnomAD); In silico analysis supports a deleterious effect on splicing; Has not been previously published as pathogenic or benign to our knowledge

Labcorp Genetics (formerly Invitae), Labcorp
Classification: Uncertain significance for Fanconi anemia complementation group O. Last evaluated: 2018-02-15. Review status: criteria provided, single submitter. Criteria: Invitae Variant Classification Sherloc (09022015). Collection method: clinical testing. Allele origin: germline.
Comment: In summary, the available evidence is currently insufficient to determine the role of this variant in disease. Therefore, it has been classified as a Variant of Uncertain Significance. Algorithms developed to predict the effect of sequence changes on RNA splicing suggest that this variant may disrupt the consensus splice site, but this prediction has not been confirmed by published transcriptional studies. This variant has not been reported in the literature in individuals with RAD51C-related disease. This variant is not present in population databases (ExAC no frequency). This sequence change falls in intron 4 of the RAD51C gene. It does not directly change the encoded amino acid sequence of the RAD51C protein.

NM_058216.3(RAD51C):c.706-9T>A

Gene: RAD51C (RAD51 paralog C; plus strand). Cytogenetic location: 17q22.
Variant type: single nucleotide variant.
Coding change: c.706-9T>A on transcript NM_058216.3 (MANE Select); 9 bases into the intron before coding-DNA position 706, T replaced by A.
Molecular consequence: intron variant.
Genome position (GRCh38, 1-based): chr17:58,709,850, T>A. VCF-style: chr17-58709850-T-A. GRCh37 (hg19) VCF-style: chr17-56787211-T-A.
Other names: c.706-9T>A (NM_058216.1).
Identifiers: ClinVar variation 572487 (VCV000572487.11), dbSNP rs1060504671, ClinGen allele CA891844047.